The following is an entry in ClinVar:

NM_001379291.1(BRD4):c.2913G>A (p.Gln971=)

Gene: BRD4 (bromodomain containing 4; minus strand). Cytogenetic location: 19p13.12.
Variant type: single nucleotide variant.
Coding change: c.2913G>A on transcript NM_001379291.1 (MANE Select); coding-DNA position 2913, G replaced by A.
Protein change: p.Gln971=; no amino-acid change (glutamine 971 retained).
Molecular consequence: synonymous variant.
Genome position (GRCh38, 1-based): chr19:15,243,156, C>T on the plus strand (G>A on the coding strand, the complement: BRD4 is on the minus strand). VCF-style: chr19-15243156-C-T. GRCh37 (hg19) VCF-style: chr19-15353967-C-T.
Other names: c.2913G>A (NM_058243.2); c.2913G>A, p.Gln971= (NM_058243.3).
Identifiers: ClinVar variation 1575397 (VCV001575397.33), dbSNP rs746395414, ClinGen allele CA9264854.
Genomic context (GRCh38, chr19:15,243,156, plus strand): 5'-CTGATGCTGCTGCTGGGGTGGAGGCTGGGGCTGGGGTGGTGGGGGTGGTGGCGGCTGCTG[C>T]TGCAGCTGCTGCTGCACAGAGGGGTGGGGTGGGGGCGGCAGGGGGGGTGGGGGCTGGGAC-3'
Protein context (NP_001366220.1, residues 961-981): PPHPSVQQQL[Gln971=]QQPPPPPPPQ

ClinVar aggregate classification (germline): Likely benign. Review status: criteria provided, multiple submitters, no conflicts (2 of 4 stars). 3 submissions from 3 submitters: Likely benign (2). 1 of the submissions does not count toward it. Last evaluated 2026-02-02.

Conditions:
BRD4-related disorder. Also called: BRD4-related condition.

Allele frequency attached by ClinVar (database versions not stated): TOPMed 0.00020; gnomAD 0.00026 and 0.00027; gnomAD exomes 0.00030 and 0.00049; ExAC 0.00118.
gnomAD v4.1: 227 of 766,740 alleles (0.03%); highest among the groups gnomAD compares: Non-Finnish European, 0.037%; no homozygotes.

Submissions (3):

Labcorp Genetics (formerly Invitae), Labcorp
Classification: Likely benign. Last evaluated: 2026-02-02. Review status: criteria provided, single submitter. Criteria: Invitae Variant Classification Sherloc (09022015). Collection method: clinical testing. Allele origin: germline.

CeGaT Center for Human Genetics Tuebingen
Classification: Likely benign. Last evaluated: 2025-07-01. Review status: criteria provided, single submitter. Criteria: CeGaT Center For Human Genetics Tuebingen Variant Classification Criteria Version 2. Collection method: clinical testing. Allele origin: germline. Affected: yes. Observed: 4 variant alleles.
Comment: BRD4: BP4, BP7

PreventionGenetics, part of Exact Sciences
Classification: Likely benign for BRD4-related condition. Last evaluated: 2019-02-25. Review status: no assertion criteria provided. Collection method: clinical testing. Allele origin: germline. Not counted in ClinVar's aggregate classification.
Comment: This variant is classified as likely benign based on ACMG/AMP sequence variant interpretation guidelines (Richards et al. 2015 PMID: 25741868, with internal and published modifications).